The following is an entry in ClinVar:

NM_001374736.1(DST):c.20398A>G (p.Lys6800Glu)

Gene: DST (dystonin; minus strand). Cytogenetic location: 6p12.1.
Variant type: single nucleotide variant.
Coding change: c.20398A>G on transcript NM_001374736.1 (MANE Select); coding-DNA position 20398, A replaced by G.
Protein change: p.Lys6800Glu; replaces lysine 6800 with glutamic acid.
Molecular consequence: missense variant.
Genome position (GRCh38, 1-based): chr6:56,493,086, T>C on the plus strand (A>G on the coding strand, the complement: DST is on the minus strand). VCF-style: chr6-56493086-T-C. GRCh37 (hg19) VCF-style: chr6-56357884-T-C.
Other names: c.14041A>G, p.Lys4681Glu (NM_001144769.5); c.13627A>G, p.Lys4543Glu (NM_001144770.2); c.20398A>G, p.Lys6800Glu (NM_001374722.1); c.19438A>G, p.Lys6480Glu (NM_001374729.1); c.13180A>G, p.Lys4394Glu (NM_001374730.1); c.20425A>G, p.Lys6809Glu (NM_001374734.1); c.13507A>G, p.Lys4503Glu (NM_001386100.1, NM_183380.4); c.12529A>G, p.Lys4177Glu (NM_015548.5); short protein forms K4503E, K4681E, K4394E, K4543E, K6809E, K4177E, K6480E, K6800E.
Identifiers: ClinVar variation 1426086 (VCV001426086.5), dbSNP rs375691814, ClinGen allele CA139187330.

ClinVar aggregate classification (germline): Uncertain significance (1 of 4 stars; one submission).

Conditions:
Hereditary sensory and autonomic neuropathy type 6. Also called: Neuropathy, hereditary sensory and autonomic, type VI; HSAN VI. Identifiers: Orphanet 314381, MedGen C3539003, MONDO:0013839, OMIM 614653.
Epidermolysis bullosa simplex 3, localized or generalized intermediate, with BP230 deficiency (EBS3). Also called: Epidermolysis bullosa simplex due to BP230 deficiency; Epidermolysis bullosa simplex, autosomal recessive 2. Identifiers: Orphanet 412181, MedGen C3809470, MONDO:0014180, OMIM 615425.

Allele frequency attached by ClinVar (database versions not stated): gnomAD 0.00001; gnomAD exomes 0.00001; TOPMed 0.00003; ESP Exome Variant Server 0.00008.
gnomAD v4.1: 21 of 1,609,952 alleles (0.0013%); highest among the groups gnomAD compares: Non-Finnish European, 0.0017%; no homozygotes.

Submission:

Labcorp Genetics (formerly Invitae), Labcorp
Classification: Uncertain significance for Epidermolysis bullosa simplex 3, localized or generalized intermediate, with BP230 deficiency; Hereditary sensory and autonomic neuropathy type 6. Last evaluated: 2021-03-18. Review status: criteria provided, single submitter. Criteria: Invitae Variant Classification Sherloc (09022015). Collection method: clinical testing. Allele origin: germline.
Comment: In summary, the available evidence is currently insufficient to determine the role of this variant in disease. Therefore, it has been classified as a Variant of Uncertain Significance. Experimental studies and prediction algorithms are not available or were not evaluated, and the functional significance of this variant is currently unknown. This variant has not been reported in the literature in individuals with DST-related conditions. This variant is not present in population databases (ExAC no frequency). This sequence change replaces lysine with glutamic acid at codon 4177 of the DST protein (p.Lys4177Glu). The DST gene has multiple clinically relevant transcripts. This variant occurs in alternate transcript NM_015548.4, and corresponds to NM_001723.5:c.*122431A>G in the primary transcript.